The following is an entry in ClinVar:

ClinVar aggregate classification (germline): Benign. Review status: criteria provided, multiple submitters, no conflicts (2 of 4 stars). 5 submissions from 5 submitters: Benign (5). Last evaluated 2024-11-27.

Conditions:
Acral peeling skin syndrome. Also called: Peeling skin syndrome 2. Identifiers: Orphanet 263534, MedGen C1853354, MONDO:0012345, OMIM 609796.

Allele frequency attached by ClinVar (database versions not stated): gnomAD exomes 0.33975 and 0.36155; ExAC 0.36951; gnomAD 0.42027 and 0.42220; ESP Exome Variant Server 0.43701; TOPMed 0.44428; 1000 Genomes Project 0.47684; 1000 Genomes Project 30x 0.48095.

Submissions (5):

Blueprint Genetics
Classification: Benign. Last evaluated: 2024-11-27. Review status: criteria provided, single submitter. Criteria: ACMG Guidelines, 2015. Collection method: clinical testing. Allele origin: germline.

Genome-Nilou Lab
Classification: Benign for Acral peeling skin syndrome. Last evaluated: 2021-09-10. Review status: criteria provided, single submitter. Criteria: ACMG Guidelines, 2015. Collection method: clinical testing. Allele origin: germline. Affected: no.

Illumina Laboratory Services, Illumina
Classification: Benign for Acral peeling skin syndrome. Last evaluated: 2018-01-13. Review status: criteria provided, single submitter. Criteria: ICSL Variant Classification Criteria 13 December 2019. Collection method: clinical testing. Allele origin: germline.
Comment: This variant was observed in the ICSL laboratory as part of a predisposition screen in an ostensibly healthy population. It had not been previously curated by ICSL or reported in the Human Gene Mutation Database (HGMD: prior to June 1st, 2018), and was therefore a candidate for classification through an automated scoring system. Utilizing variant allele frequency, disease prevalence and penetrance estimates, and inheritance mode, an automated score was calculated to assess if this variant is too frequent to cause the disease. Based on the score and internal cut-off values, a variant classified as benign is not then subjected to further curation. The score for this variant resulted in a classification of benign for this disease.

GeneDx
Classification: Benign. Last evaluated: 2015-03-03. Review status: criteria provided, single submitter. Criteria: GeneDx Variant Classification Process June 2021. Collection method: clinical testing. Allele origin: germline. Affected: yes.

Breakthrough Genomics
Classification: Benign. Review status: criteria provided, single submitter. Criteria: ACMG Guidelines, 2015. Collection method: not provided. Allele origin: germline. Inheritance: Autosomal recessive inheritance. Affected: yes.

NM_201631.4(TGM5):c.660C>T (p.Tyr220=)

Gene: TGM5 (transglutaminase 5; minus strand). Cytogenetic location: 15q15.2.
Variant type: single nucleotide variant.
Coding change: c.660C>T on transcript NM_201631.4 (MANE Select); coding-DNA position 660, C replaced by T.
Protein change: p.Tyr220=; no amino-acid change (tyrosine 220 retained).
Molecular consequence: synonymous variant.
Genome position (GRCh38, 1-based): chr15:43,253,530, G>A on the plus strand (C>T on the coding strand, the complement: TGM5 is on the minus strand). VCF-style: chr15-43253530-G-A. GRCh37 (hg19) VCF-style: chr15-43545728-G-A.
Other names: c.414C>T, p.Tyr138= (NM_004245.4).
Identifiers: ClinVar variation 316060 (VCV000316060.12), dbSNP rs555001, ClinGen allele CA7521269.